The following is an entry in ClinVar:

ClinVar aggregate classification (germline): Conflicting classifications of pathogenicity. Review status: criteria provided, conflicting classifications (1 of 4 stars). 5 submissions from 5 submitters: Uncertain significance (2); Likely benign (3). Last evaluated 2025-12-02.

Conditions:
Inborn genetic diseases. Identifiers: MedGen C0950123, MeSH D030342.
Multiple congenital anomalies-hypotonia-seizures syndrome 2 (MCAHS2). Also called: GLYCOSYLPHOSPHATIDYLINOSITOL BIOSYNTHESIS DEFECT 4; EPILEPTIC ENCEPHALOPATHY, EARLY INFANTILE, 20. Identifiers: Orphanet 300496, MedGen C3275508, MONDO:0010466, OMIM 300868.
PIGA-related disorder. Also called: PIGA-related condition.

Allele frequency attached by ClinVar (database versions not stated): TOPMed 0.00002; ExAC 0.00003; gnomAD 0.00003 and 0.00004; gnomAD exomes 0.00004 and 0.00007.
gnomAD v4.1: 89 of 1,198,244 alleles (0.0074%); highest among the groups gnomAD compares: South Asian, 0.03%; no homozygotes.

Submissions (5):

Ambry Genetics
Classification: Likely benign for Inborn genetic diseases. Last evaluated: 2025-12-02. Review status: criteria provided, single submitter. Criteria: Ambry Variant Classification Scheme 2023. Collection method: clinical testing. Allele origin: germline.

ARUP Laboratories, Molecular Genetics and Genomics, ARUP Laboratories
Classification: Uncertain significance. Last evaluated: 2025-01-30. Review status: criteria provided, single submitter. Criteria: ARUP Molecular Germline Variant Investigation Process 2024. Collection method: clinical testing. Allele origin: germline.

Labcorp Genetics (formerly Invitae), Labcorp
Classification: Likely benign for Multiple congenital anomalies-hypotonia-seizures syndrome 2. Last evaluated: 2024-02-23. Review status: criteria provided, single submitter. Criteria: Invitae Variant Classification Sherloc (09022015). Collection method: clinical testing. Allele origin: germline.

PreventionGenetics, part of Exact Sciences
Classification: Uncertain significance for PIGA-related condition. Last evaluated: 2022-11-15. Review status: criteria provided, single submitter. Criteria: ACMG Guidelines, 2015. Collection method: clinical testing. Allele origin: germline.
Comment: The PIGA c.1381C>T variant is predicted to result in the amino acid substitution p.Arg461Trp. To our knowledge, this variant has not been reported in the literature. This variant is reported in 0.010% of alleles in individuals of South Asian descent in gnomAD, including three hemizygous individuals of European (Non-Finnish) descent. Although we suspect that this variant may be benign, at this time, the clinical significance of this variant is uncertain due to the absence of conclusive functional and genetic evidence.

GeneDx
Classification: Likely benign. Last evaluated: 2018-04-02. Review status: criteria provided, single submitter. Criteria: GeneDx Variant Classification (06012015). Collection method: clinical testing. Allele origin: germline. Affected: yes.
Comment: This variant is considered likely benign or benign based on one or more of the following criteria: it is a conservative change, it occurs at a poorly conserved position in the protein, it is predicted to be benign by multiple in silico algorithms, and/or has population frequency not consistent with disease.

NM_002641.4(PIGA):c.1381C>T (p.Arg461Trp)

Gene: PIGA (phosphatidylinositol glycan anchor biosynthesis class A; minus strand). Cytogenetic location: Xp22.2.
Variant type: single nucleotide variant.
Coding change: c.1381C>T on transcript NM_002641.4 (MANE Select); coding-DNA position 1381, C replaced by T.
Protein change: p.Arg461Trp; replaces arginine 461 with tryptophan.
Molecular consequence: missense variant. On other transcripts: non-coding transcript variant (2).
Genome position (GRCh38, 1-based): chrX:15,321,580, G>A on the plus strand (C>T on the coding strand, the complement: PIGA is on the minus strand). VCF-style: chrX-15321580-G-A. GRCh37 (hg19) VCF-style: chrX-15339702-G-A.
Other names: c.679C>T, p.Arg227Trp (NM_020473.3); short protein forms R461W, R227W.
Identifiers: ClinVar variation 681365 (VCV000681365.14), dbSNP rs752798208, ClinGen allele CA10354053.